The following is an entry in ClinVar:

NM_014918.5(CHSY1):c.580C>T (p.Leu194Phe)

Gene: CHSY1 (chondroitin sulfate synthase 1; minus strand). Cytogenetic location: 15q26.3.
Variant type: single nucleotide variant.
Coding change: c.580C>T on transcript NM_014918.5 (MANE Select); coding-DNA position 580, C replaced by T.
Protein change: p.Leu194Phe; replaces leucine 194 with phenylalanine.
Molecular consequence: missense variant.
Genome position (GRCh38, 1-based): chr15:101,235,318, G>A on the plus strand (C>T on the coding strand, the complement: CHSY1 is on the minus strand). VCF-style: chr15-101235318-G-A. GRCh37 (hg19) VCF-style: chr15-101775523-G-A.
Other names: short protein forms L194F.
Identifiers: ClinVar variation 1947415 (VCV001947415.5), dbSNP rs1020012250, ClinGen allele CA276333302.

ClinVar aggregate classification (germline): Uncertain significance (1 of 4 stars; one submission).

Conditions:
Temtamy preaxial brachydactyly syndrome (TPBS). Identifiers: Orphanet 363417, MedGen C1854466, MONDO:0011533, OMIM 605282.

Allele frequency attached by ClinVar (database versions not stated): TOPMed below 0.00001.
gnomAD v4.1: 2 of 1,614,196 alleles (0.00012%); highest among the groups gnomAD compares: Admixed American, 0.0017%; no homozygotes.

Submission:

Labcorp Genetics (formerly Invitae), Labcorp
Classification: Uncertain significance for Temtamy preaxial brachydactyly syndrome. Last evaluated: 2022-06-29. Review status: criteria provided, single submitter. Criteria: Invitae Variant Classification Sherloc (09022015). Collection method: clinical testing. Allele origin: germline.
Comment: In summary, the available evidence is currently insufficient to determine the role of this variant in disease. Therefore, it has been classified as a Variant of Uncertain Significance. Algorithms developed to predict the effect of missense changes on protein structure and function are either unavailable or do not agree on the potential impact of this missense change (SIFT: "Tolerated"; PolyPhen-2: "Possibly Damaging"; Align-GVGD: "Class C0"). This variant has not been reported in the literature in individuals affected with CHSY1-related conditions. This variant is not present in population databases (gnomAD no frequency). This sequence change replaces leucine, which is neutral and non-polar, with phenylalanine, which is neutral and non-polar, at codon 194 of the CHSY1 protein (p.Leu194Phe).